The following is an entry in ClinVar:

ClinVar aggregate classification (germline): Uncertain significance (1 of 4 stars; one submission).

Conditions:
Hereditary nonpolyposis colorectal neoplasms. Identifiers: MedGen C0009405, MeSH D003123.

Submission:

Labcorp Genetics (formerly Invitae), Labcorp
Classification: Uncertain significance for Hereditary nonpolyposis colorectal neoplasms. Last evaluated: 2023-09-12. Review status: criteria provided, single submitter. Criteria: Invitae Variant Classification Sherloc (09022015). Collection method: clinical testing. Allele origin: germline.
Comment: In summary, the available evidence is currently insufficient to determine the role of this variant in disease. Therefore, it has been classified as a Variant of Uncertain Significance. Advanced modeling of protein sequence and biophysical properties (such as structural, functional, and spatial information, amino acid conservation, physicochemical variation, residue mobility, and thermodynamic stability) has been performed at Invitae for this missense variant, however the output from this modeling did not meet the statistical confidence thresholds required to predict the impact of this variant on PMS2 protein function. This variant has not been reported in the literature in individuals affected with PMS2-related conditions. This variant is not present in population databases (gnomAD no frequency). This sequence change replaces asparagine, which is neutral and polar, with lysine, which is basic and polar, at codon 140 of the PMS2 protein (p.Asn140Lys).

NM_000535.7(PMS2):c.420T>A (p.Asn140Lys)

Gene: PMS2 (PMS1 homolog 2, mismatch repair system component; minus strand). Cytogenetic location: 7p22.1.
Variant type: single nucleotide variant.
Coding change: c.420T>A on transcript NM_000535.7 (MANE Select); coding-DNA position 420, T replaced by A.
Protein change: p.Asn140Lys; replaces asparagine 140 with lysine.
Molecular consequence: missense variant. On other transcripts: 5 prime UTR variant (2), non-coding transcript variant (1), intron variant (1).
Genome position (GRCh38, 1-based): chr7:6,002,570, A>T on the plus strand (T>A on the coding strand, the complement: PMS2 is on the minus strand). VCF-style: chr7-6002570-A-T. GRCh37 (hg19) VCF-style: chr7-6042201-A-T.
Other names: c.15T>A, p.Asn5Lys (NM_001018040.1, NM_001322003.2, NM_001322004.2 and 25 more transcripts); c.420T>A, p.Asn140Lys (NM_001322006.2, NM_001322014.2, NM_001406869.1 and 8 more transcripts); c.102T>A, p.Asn34Lys (NM_001322007.2, NM_001322008.2, NM_001406876.1 and 4 more transcripts); c.-465T>A (NM_001322011.2, NM_001322012.2); c.111T>A, p.Asn37Lys (NM_001322015.2, NM_001406875.1, NM_001406877.1 and 6 more transcripts); c.606T>A, p.Asn202Lys (NM_001406866.1); c.444T>A, p.Asn148Lys (NM_001406868.1); c.250+1402T>A (NM_001406885.1); short protein forms N37K, N5K, N140K, N148K, N202K, N34K.
Identifiers: ClinVar variation 2760442 (VCV002760442.3), dbSNP rs2128818231, ClinGen allele CA366744387.